The following is an entry in ClinVar:

ClinVar aggregate classification (germline): Pathogenic/Likely pathogenic. Review status: criteria provided, multiple submitters, no conflicts (2 of 4 stars). 2 submissions from 2 submitters: Pathogenic (1); Likely pathogenic (1). Last evaluated 2023-04-29.

Conditions:
Granulomatous disease, chronic, X-linked. Also called: GRANULOMATOUS DISEASE, CHRONIC, X-LINKED, SOMATIC MOSAIC; CYTOCHROME b-NEGATIVE GRANULOMATOUS DISEASE, CHRONIC, X-LINKED. Identifiers: Orphanet 379, MedGen C1844376, MONDO:0010600, OMIM 306400.

Submissions (2):

Labcorp Genetics (formerly Invitae), Labcorp
Classification: Pathogenic for Granulomatous disease, chronic, X-linked. Last evaluated: 2023-04-29. Review status: criteria provided, single submitter. Criteria: Invitae Variant Classification Sherloc (09022015). Collection method: clinical testing. Allele origin: germline.
Comment: For these reasons, this variant has been classified as Pathogenic. ClinVar contains an entry for this variant (Variation ID: 35967). This variant has not been reported in the literature in individuals affected with CYBB-related conditions. This variant is not present in population databases (gnomAD no frequency). This sequence change creates a premature translational stop signal (p.Lys381Glufs*4) in the CYBB gene. It is expected to result in an absent or disrupted protein product. Loss-of-function variants in CYBB are known to be pathogenic (PMID: 9585602, 20729109).

Women's Health and Genetics/Laboratory Corporation of America, LabCorp
Classification: Likely pathogenic for X-linked Chronic Granulomatous Disease. Last evaluated: 2011-08-18. Review status: criteria provided, single submitter. Criteria: LabCorp Variant Classification Summary - May 2015. Collection method: curation, clinical testing. Allele origin: germline. Inheritance: Xlinked unknown. Affected: yes.
ClinVar note: Converted during submission from likely pathogenic to Likely pathogenic.

Literature cited by the submitters: PubMed 9585602 (cited by Labcorp Genetics (formerly Invitae), Labcorp); PubMed 20729109 (cited by Labcorp Genetics (formerly Invitae), Labcorp).

NM_000397.4(CYBB):c.1140dup (p.Lys381fs)

Gene: CYBB (cytochrome b-245 beta chain; plus strand). Cytogenetic location: Xp11.4.
Variant type: Duplication.
Coding change: c.1140dup on transcript NM_000397.4 (MANE Select); coding-DNA position 1140, one base duplicated (G; older notation c.1140dupG).
Protein change: p.Lys381fs; shifts the reading frame from lysine 381.
Molecular consequence: frameshift variant.
Genome position (GRCh38, 1-based): chrX:37,804,119, G duplicated; the last of 2 consecutive G bases (chrX:37,804,118-37,804,119); duplicating either gives the same sequence. VCF-style (leftmost placement, unchanged base first): chrX-37804117-T-TG. GRCh37 (hg19) VCF-style: chrX-37663370-T-TG.
Other names: c.1140dupG (NM_000397.3); short protein forms K381fs.
Identifiers: ClinVar variation 35967 (VCV000035967.6), dbSNP rs193922445, ClinGen allele CA213625.